The following is an entry in ClinVar:

ClinVar aggregate classification (germline): Uncertain significance (1 of 4 stars; one submission).

Conditions:
Fanconi anemia (FA). Also called: Fanconi's anemia. Identifiers: Orphanet 84, MedGen C0015625, MeSH D005199, MONDO:0019391.

gnomAD v4.1: 9 of 1,612,338 alleles (0.00056%); highest among the groups gnomAD compares: Non-Finnish European, 0.00076%; no homozygotes.

Submission:

Labcorp Genetics (formerly Invitae), Labcorp
Classification: Uncertain significance for Fanconi anemia. Last evaluated: 2024-03-01. Review status: criteria provided, single submitter. Criteria: Invitae Variant Classification Sherloc (09022015). Collection method: clinical testing. Allele origin: germline.
Comment: This sequence change replaces proline, which is neutral and non-polar, with threonine, which is neutral and polar, at codon 1081 of the FANCD2 protein (p.Pro1081Thr). This variant is present in population databases (rs772092834, gnomAD 0.0009%). This variant has not been reported in the literature in individuals affected with FANCD2-related conditions. Advanced modeling of protein sequence and biophysical properties (such as structural, functional, and spatial information, amino acid conservation, physicochemical variation, residue mobility, and thermodynamic stability) performed at Invitae indicates that this missense variant is not expected to disrupt FANCD2 protein function with a negative predictive value of 80%. In summary, the available evidence is currently insufficient to determine the role of this variant in disease. Therefore, it has been classified as a Variant of Uncertain Significance.

NM_001018115.3(FANCD2):c.3241C>A (p.Pro1081Thr)

Genes: FANCD2 (FA complementation group D2; plus strand), FANCD2OS (FANCD2 opposite strand; minus strand). Cytogenetic location: 3p25.3.
Variant type: single nucleotide variant.
Coding change: c.3241C>A on transcript NM_001018115.3 (MANE Select); coding-DNA position 3241, C replaced by A.
Protein change: p.Pro1081Thr; replaces proline 1081 with threonine.
Molecular consequence: missense variant. On other transcripts: intron variant (1).
Genome position (GRCh38, 1-based): chr3:10,085,828, C>A. VCF-style: chr3-10085828-C-A. GRCh37 (hg19) VCF-style: chr3-10127512-C-A.
Other names: c.3241C>A, p.Pro1081Thr (NM_001319984.2, NM_001374254.1, NM_033084.6); c.3130C>A, p.Pro1044Thr (NM_001374253.1); c.*44-4297G>T (NM_173472.2); short protein forms P1044T, P1081T.
Identifiers: ClinVar variation 3633328 (VCV003633328.2).